The following is an entry in ClinVar:

NM_000492.4(CFTR):c.2900T>C (p.Leu967Ser)

Gene: CFTR (CF transmembrane conductance regulator; plus strand). Cytogenetic location: 7q31.2.
Variant type: single nucleotide variant.
Coding change: c.2900T>C on transcript NM_000492.4 (MANE Select); coding-DNA position 2900, T replaced by C.
Protein change: p.Leu967Ser; replaces leucine 967 with serine.
Molecular consequence: missense variant.
Genome position (GRCh38, 1-based): chr7:117,603,774, T>C. VCF-style: chr7-117603774-T-C. GRCh37 (hg19) VCF-style: chr7-117243828-T-C.
Other names: short protein forms L967S.
Identifiers: ClinVar variation 219537 (VCV000219537.100), dbSNP rs1800110, ClinGen allele CA350158.

ClinVar aggregate classification (germline): Conflicting classifications of pathogenicity. Review status: criteria provided, conflicting classifications (1 of 4 stars). 30 submissions from 29 submitters: Pathogenic (1); Likely pathogenic (4); Uncertain significance (19). 6 of the submissions do not count toward it. Last evaluated 2026-06-09.

Conditions:
CFTR-related disorder (CFTR-RD). Also called: CFTR-related disorders; CFTR-related condition. Identifiers: MedGen C5924204, MONDO:7770004.
Chronic pancreatitis. Identifiers: MedGen C0149521, MONDO:0005003, HP:0006280.
Congenital bilateral aplasia of vas deferens from CFTR mutation (CBAVD). Identifiers: Orphanet 48, MedGen C0403814, MONDO:0010178, OMIM 277180. Disease mechanism: loss of function.
Cystic fibrosis (CF). Also called: MUCOVISCIDOSIS. Identifiers: Orphanet 586, MedGen C0010674, MONDO:0009061, OMIM 219700. Disease mechanism: loss of function.
Bronchiectasis with or without elevated sweat chloride 1 (BESC1). Also called: Cystic Fibrosis-Like Syndrome. Identifiers: Orphanet 60033, MedGen C2749757, MONDO:0008887, OMIM 211400.
Hereditary pancreatitis (PCTT). Also called: PRSS1-Related Hereditary Pancreatitis; Hereditary chronic pancreatitis. Identifiers: Orphanet 676, MedGen C0238339, MONDO:0008185, OMIM 167800.
Infertility disorder. Also called: Infertility. Identifiers: MedGen C0021359, MeSH D007246, MONDO:0005047, HP:0000789.

Allele frequency attached by ClinVar (database versions not stated): 1000 Genomes Project 30x 0.00031; ESP Exome Variant Server 0.00038; 1000 Genomes Project 0.00040; ExAC 0.00056; gnomAD exomes 0.00072 and 0.00137; gnomAD 0.00103 and 0.00106; TOPMed 0.00104.

Submissions 1 to 4 of 30:

PreventionGenetics, part of Exact Sciences
Classification: Uncertain significance for CFTR-related condition. Last evaluated: 2026-06-09. Review status: criteria provided, single submitter. Criteria: ACMG Guidelines, 2015. Collection method: clinical testing. Allele origin: germline.
Comment: The CFTR c.2900T>C variant is predicted to result in the amino acid substitution p.Leu967Ser. This variant has been reported, along with a second potentially causative variant, in an individual with hypertrypsinemia (Boyne et al. 2000. PubMed ID: 10970190); this variant was also described in an individual with acute recurrent pancreatitis, but a second likely causative variant was not identified (Lucidi et al. 2011. PubMed ID: 21499205). This variant has also been reported in individuals with chronic pancreatitis (see for example supplementary data, Steiner et al. 2011. PubMed ID: 21520337; Masson et al. 2013. PubMed ID: 23951356; LaRusch et al. 2014. PubMed ID: 25033378) as well as individuals with suspected cystic fibrosis (see for example Schrijver et al. 2005. PubMed ID: 15858154; Ziętkiewicz et al. 2014. PubMed ID: 24586523). However, this variant has also been reported not to be causative for cystic fibrosis or CFTR-related disorders (Wang et al. 2000. PubMed ID: 11025834; CFTR2,, updated January 30, 2026; CFTR-France). In vitro functional studies show this variant retains ~74.4% of CFTR control activity (Raraigh et al. 2018. PubMed ID: 29805046). This variant is reported in 0.13% of alleles in individuals of Latino descent in gnomAD and has conflicting interpretations of pathogenicity in ClinVar ranging from uncertain to pathogenic (Variation ID: 219537). Although we suspect that this variant may be benign, at this time, the clinical significance of this variant is uncertain due to the absence of conclusive functional and genetic evidence.

Women's Health and Genetics/Laboratory Corporation of America, LabCorp
Classification: Uncertain significance. Last evaluated: 2026-04-14. Review status: criteria provided, single submitter. Criteria: LabCorp Variant Classification Summary - May 2015. Collection method: clinical testing. Allele origin: germline.
Comment: Variant summary: CFTR c.2900T>C (p.Leu967Ser) results in a non-conservative amino acid change located in the ABC transporter type 1, transmembrane domain of the encoded protein sequence. Algorithms developed to predict the effect of missense changes on protein structure and function all suggest that this variant is likely to be disruptive. The variant allele was found at a frequency of 0.00072 in 255940 control chromosomes. This frequency is not significantly higher than estimated for disease-causing variants in CFTR, allowing no conclusion about variant significance. c.2900T>C has been reported in the literature in individuals affected with Cystic Fibrosis, CBAVD, non-classic CF, pancreatitis, and in a fetus with bowel anomalies. Several patients with pancreatitis were also found to carry another variant in CFTR or in other genes such as SPINK1, typically N34S, which is a known risk variant for pancreatitis. This variant also co-occurred in cis with another pathogenic variant in the CFTR gene in a fetus who had a compound heterozygous genotype [p.Phe508del/c.3191_3192ins16 (de Becdelivre_2011)]suggesting that L967S was not causative in this patient and is unlikely to be pathogenic in the autosomal recessive Mendelian inheritance pattern. In contrast, case-control studies (example, LaRusch_2014) suggest that L967S may increase the risk of developing pancreatitis (odds ratio=6.87 (p-value 0.002); with further increased odds ratio of 11.17 (p-value 0.014) in patients with co-occurring SPINK1 variant N34S. An in vitro functional study reported that this missense change does not affect CFTR expression, stability, or chloride conductance, but has a mild effect on bicarbonate permeability and conductance with WNK1-SPAK activation in cell culture (LaRusch_2014). Other studies indicated that L967S maintained 74-79% of wild-type function (Raraigh_2018, BIhler_2024). The following publications have been ascertained in the context of this evaluation (PMID: 31088717, 11938439, 38388235, 16193325, 32784480, 33768849, 7691344, 16134171, 18195584, 29589582, 12167682, 25033378, 21499205, 24451227, 23951356, 33946859, 25963003, 29805046, 38871151, 25824995, 15858154, 28544683, 21520337, 11025834, 24586523, 21184098). ClinVar contains an entry for this variant (Variation ID: 219537). Based on the evidence outlined above, the variant was classified as uncertain significance.

Quest Diagnostics Nichols Institute San Juan Capistrano
Classification: Uncertain significance. Last evaluated: 2025-02-02. Review status: criteria provided, single submitter. Criteria: Quest Diagnostics criteria. Collection method: clinical testing. Allele origin: unknown.
Comment: The CFTR c.2900T>C (p.Leu967Ser) variant has been reported in the published literature in individuals with CFTR-related disorders (PMIDs: 33768849 (2021), 25033378 (2014), 23951356 (2013), 21520337 (2011)) and unspecified CF-like symptoms (PMID: 27214204 (2016)). Experimental evidence regarding the effect of this variant on CFTR protein function is conflicting (PMIDs: 25033378 (2014), 29805046 (2018)). The frequency of this variant in the general population (Genome Aggregation Database) is uninformative in the assessment of its pathogenicity. Analysis of this variant using bioinformatics tools for the prediction of the effect of amino acid changes on protein structure and function yielded predictions that this variant is damaging. Based on the available information, we are unable to determine the clinical significance of this variant.

Labcorp Genetics (formerly Invitae), Labcorp
Classification: Uncertain significance for Cystic fibrosis. Last evaluated: 2025-02-01. Review status: criteria provided, single submitter. Criteria: Invitae Variant Classification Sherloc (09022015). Collection method: clinical testing. Allele origin: germline.
Comment: This sequence change replaces leucine, which is neutral and non-polar, with serine, which is neutral and polar, at codon 967 of the CFTR protein (p.Leu967Ser). This variant is present in population databases (rs1800110, gnomAD 0.1%), and has an allele count higher than expected for a pathogenic variant. This missense change has been observed in individual(s) with CFTR-related conditions (PMID: 16134171, 23951356, 25033378, 33768849). ClinVar contains an entry for this variant (Variation ID: 219537). Invitae Evidence Modeling of protein sequence and biophysical properties (such as structural, functional, and spatial information, amino acid conservation, physicochemical variation, residue mobility, and thermodynamic stability) indicates that this missense variant is not expected to disrupt CFTR protein function with a negative predictive value of 80%. Experimental studies have shown that this missense change affects CFTR function (PMID: 29805046). In summary, the available evidence is currently insufficient to determine the role of this variant in disease. Therefore, it has been classified as a Variant of Uncertain Significance.